The following is an entry in ClinVar:

NM_001206999.2(CIT):c.5035A>G (p.Ile1679Val)

Gene: CIT (citron rho-interacting serine/threonine kinase; minus strand). Cytogenetic location: 12q24.23.
Variant type: single nucleotide variant.
Coding change: c.5035A>G on transcript NM_001206999.2 (MANE Select); coding-DNA position 5035, A replaced by G.
Protein change: p.Ile1679Val; replaces isoleucine 1679 with valine.
Molecular consequence: missense variant.
Genome position (GRCh38, 1-based): chr12:119,710,287, T>C on the plus strand (A>G on the coding strand, the complement: CIT is on the minus strand). VCF-style: chr12-119710287-T-C. GRCh37 (hg19) VCF-style: chr12-120148092-T-C.
Other names: c.4909A>G, p.Ile1637Val (NM_007174.3); short protein forms I1637V, I1679V.
Identifiers: ClinVar variation 2282120 (VCV002282120.3), dbSNP rs776268071, ClinGen allele CA6821018.
Genomic context (GRCh38, chr12:119,710,287, plus strand): 5'-AACACCATGTCCTTGGCCTCACACCTGCTATCATGAGTAGCTTCTCCAGGTCCTTGATAA[T>C]ATAAATTTGGAAGACTGCTCCAATTCCTGGGACATGGGTTAGGGAGTTTTTCAAGACATT-3'
Protein context (NP_001193928.1, residues 1669-1689): PGIGAVFQIY[Ile1679Val]IKDLEKLLMI

ClinVar aggregate classification (germline): Uncertain significance. Review status: criteria provided, multiple submitters, no conflicts (2 of 4 stars). 2 submissions from 2 submitters: Uncertain significance (2). Last evaluated 2024-11-18.

Conditions:
Inborn genetic diseases. Identifiers: MedGen C0950123, MeSH D030342.
CIT-related disorder. Also called: CIT-related condition.

Allele frequency attached by ClinVar (database versions not stated): gnomAD 0.00001; gnomAD exomes 0.00001; TOPMed 0.00001; ExAC 0.00002.
gnomAD v4.1: 18 of 1,614,108 alleles (0.0011%); highest among the groups gnomAD compares: East Asian, 0.0022%; no homozygotes.

Submissions (2):

PreventionGenetics, part of Exact Sciences
Classification: Uncertain significance for CIT-related condition. Last evaluated: 2024-11-18. Review status: criteria provided, single submitter. Criteria: ACMG Guidelines, 2015. Collection method: clinical testing. Allele origin: germline.
Comment: The CIT c.5035A>G variant is predicted to result in the amino acid substitution p.Ile1679Val. To our knowledge, this variant has not been reported in the literature. This variant is reported in 0.0050% of alleles in individuals of East Asian descent in gnomAD. At this time, the clinical significance of this variant is uncertain due to the absence of conclusive functional and genetic evidence.

Ambry Genetics
Classification: Uncertain significance for Inborn genetic diseases. Last evaluated: 2022-04-07. Review status: criteria provided, single submitter. Criteria: Ambry Variant Classification Scheme 2023. Collection method: clinical testing. Allele origin: germline.